The following is an entry in ClinVar:

NM_001127511.3(APC):c.165+26182A>C

Gene: APC (APC regulator of Wnt signaling pathway; plus strand). Cytogenetic location: 5q22.2.
Variant type: single nucleotide variant.
Coding change: c.165+26182A>C on transcript NM_001127511.3; 26182 bases into the intron after coding-DNA position 165, A replaced by C.
Molecular consequence: intron variant.
Genome position (GRCh38, 1-based): chr5:112,734,064, A>C. VCF-style: chr5-112734064-A-C. GRCh37 (hg19) VCF-style: chr5-112069761-A-C.
Other names: c.-1053-20809A>C (NM_001407470.1, NM_001407472.1); c.-18-20809A>C (NM_001407447.1, NM_001354895.2, NM_001407456.1 and 7 more transcripts); c.165+26182A>C (NM_001407446.1, NM_001354897.2, NM_001354902.2); c.-43+26415A>C (NM_001407453.1).
Identifiers: ClinVar variation 82311 (VCV000082311.4), dbSNP rs75843289, ClinGen allele CA023580.
Genomic context (GRCh38, chr5:112,734,064, plus strand): 5'-ACTGGTAAGTCTTGCCCGTAGAAGACTATGAATATATCTCCCAGTCCTGTGTGGCTGCTC[A>C]CGTCTGTAATCACAGCACCTTGCGAGGCCAAGGCAGGAGGATCACCTGAGGTTAGGAGTT-3'

ClinVar aggregate classification (germline): other (0 of 4 stars; one submission).

Conditions:
Familial colorectal cancer. Identifiers: MedGen CN280943, MONDO:0023113. Disease mechanism: loss of function.

Submission:

Systems Biology Platform Zhejiang California International NanoSystems Institute
Classification: other for Familial colorectal cancer. Review status: no assertion criteria provided. Collection method: not provided. Allele origin: unknown.
ClinVar note: Converted during submission from cancer to other.